The following is an entry in ClinVar:

ClinVar aggregate classification (germline): Benign (1 of 4 stars; one submission).

Submission:

Laboratory for Molecular Medicine, Mass General Brigham Personalized Medicine
Classification: Benign. Last evaluated: 2016-03-29. Review status: criteria provided, single submitter. Criteria: LMM Criteria. Collection method: clinical testing. Allele origin: germline.
Comment: Variant identified in a genome or exome case(s) and assessed due to predicted null impact of the variant or pathogenic assertions in the literature or databases. Disclaimer: This variant has not undergone full assessment. The following are preliminary notes: Frequency

NC_000019.10:g.3543491dup

Genes: TEKTIP1 (tektin bundle interacting protein 1; plus strand), MFSD12 (major facilitator superfamily domain containing 12; minus strand). Cytogenetic location: 19p13.3.
Variant type: Duplication.
Molecular consequence: intron variant (on NM_001135580.2).
Genome position: GRCh38 VCF-style: chr19-3543480-G-GC. GRCh37 (hg19) VCF-style: chr19-3543478-G-GC.
Other names: c.322+18dup (NM_001135580.2).
Identifiers: ClinVar variation 403083 (VCV000403083.4), dbSNP rs34196068, ClinGen allele CA9078822.